The following is an entry in ClinVar:

ClinVar aggregate classification (germline): Uncertain significance (1 of 4 stars; one submission).

gnomAD v4.1: 2 of 1,614,134 alleles (0.00012%); highest among the groups gnomAD compares: Non-Finnish European, 0.00017%; no homozygotes.

Submission:

GeneDx
Classification: Uncertain significance. Last evaluated: 2012-11-02. Review status: criteria provided, single submitter. Criteria: GeneDx Variant Classification (06012015). Collection method: clinical testing. Allele origin: germline. Affected: yes.
Comment: p.Glu470Gln (GAG>CAG):c.1408 G>C in exon 10 of the AARS2 gene (NM_020745.2). The E470Q missense substitution has not been published as a mutation, nor has it been reported as a benign polymorphism to our knowledge. The amino acid change is non-conservative in that a negatively charged Glutamic Acid residue is replaced by an uncharged Glutamine residue. This change occurs at a position in the AARS2 protein that is not highly conserved. In-silico analyses are not consistent in their predictions of whether or not E470Q is damaging to the AARS2 protein. Therefore, based on the currently available information, it is unclear whether E470Q is a disease-causing mutation or a rare benign variant. The variant is found in MITONUC-MITOP panel(s).

NM_020745.4(AARS2):c.1408G>C (p.Glu470Gln)

Genes: POLR1C (RNA polymerase I and III subunit C; plus strand), AARS2 (alanyl-tRNA synthetase 2, mitochondrial; minus strand). Cytogenetic location: 6p21.1.
Variant type: single nucleotide variant.
Coding change: c.1408G>C on transcript NM_020745.4 (MANE Select); coding-DNA position 1408, G replaced by C.
Protein change: p.Glu470Gln; replaces glutamic acid 470 with glutamine.
Molecular consequence: missense variant.
Genome position (GRCh38, 1-based): chr6:44,305,679, C>G on the plus strand (G>C on the coding strand, the complement: AARS2 is on the minus strand). VCF-style: chr6-44305679-C-G. GRCh37 (hg19) VCF-style: chr6-44273416-C-G.
Other names: p.E470Q:GAG>CAG; short protein forms E470Q.
Identifiers: ClinVar variation 213967 (VCV000213967.2), dbSNP rs863223863, ClinGen allele CA322216.